The following is an entry in ClinVar:

NM_000138.5(FBN1):c.1328-144T>C

Gene: FBN1 (fibrillin 1; minus strand). Cytogenetic location: 15q21.1.
Variant type: single nucleotide variant.
Coding change: c.1328-144T>C on transcript NM_000138.5 (MANE Select); 144 bases into the intron before coding-DNA position 1328, T replaced by C.
Molecular consequence: intron variant.
Genome position (GRCh38, 1-based): chr15:48,515,671, A>G on the plus strand (T>C on the coding strand, the complement: FBN1 is on the minus strand). VCF-style: chr15-48515671-A-G. GRCh37 (hg19) VCF-style: chr15-48807868-A-G.
Identifiers: ClinVar variation 675252 (VCV000675252.2), dbSNP rs16961071, ClinGen allele CA16505533.

ClinVar aggregate classification (germline): Benign. Review status: criteria provided, multiple submitters, no conflicts (2 of 4 stars). 2 submissions from 2 submitters: Benign (2). Last evaluated 2018-06-16.

Allele frequency attached by ClinVar (database versions not stated): gnomAD exomes 0.00459; gnomAD 0.04802 and 0.05151; TOPMed 0.05451; 1000 Genomes Project 0.05731; 1000 Genomes Project 30x 0.06277.
gnomAD v4.1: 11,681 of 1,067,500 alleles (1.1%); highest among the groups gnomAD compares: African/African-American, 17%; 938 homozygotes.

Submissions (2):

GeneDx
Classification: Benign. Last evaluated: 2018-06-16. Review status: criteria provided, single submitter. Criteria: GeneDx Variant Classification (06012015). Collection method: clinical testing. Allele origin: germline. Affected: yes.
Comment: This variant is considered likely benign or benign based on one or more of the following criteria: it is a conservative change, it occurs at a poorly conserved position in the protein, it is predicted to be benign by multiple in silico algorithms, and/or has population frequency not consistent with disease.

Breakthrough Genomics
Classification: Benign. Review status: criteria provided, single submitter. Criteria: ACMG Guidelines, 2015. Collection method: not provided. Allele origin: germline. Inheritance: Autosomal dominant inheritance. Affected: yes.